The following is an entry in ClinVar:

ClinVar aggregate classification (germline): Uncertain significance. Review status: criteria provided, multiple submitters, no conflicts (2 of 4 stars). 4 submissions from 4 submitters: Uncertain significance (4). Last evaluated 2025-05-14.

Conditions:
Congenital muscular dystrophy due to integrin alpha-7 deficiency. Also called: MYOPATHY, CONGENITAL, DUE TO INTEGRIN ALPHA-7 DEFICIENCY; Congenital muscular dystrophy with integrin alpha-7 deficiency; Muscular dystrophy, congenital, due to ITGA7 deficiency. Identifiers: Orphanet 34520, MedGen C2750786, MONDO:0013177, OMIM 613204.

Allele frequency attached by ClinVar (database versions not stated): ExAC 0.00007; gnomAD exomes 0.00008; TOPMed 0.00008.
gnomAD v4.1: 174 of 1,613,982 alleles (0.011%); highest among the groups gnomAD compares: Non-Finnish European, 0.014%; no homozygotes.

Submissions (4):

GeneDx
Classification: Uncertain significance. Last evaluated: 2025-05-14. Review status: criteria provided, single submitter. Criteria: GeneDx Variant Classification Process June 2021. Collection method: clinical testing. Allele origin: germline. Affected: yes.
Comment: In silico analysis supports that this missense variant has a deleterious effect on protein structure/function; In silico analysis supports a deleterious effect on splicing; Has not been previously published as pathogenic or benign to our knowledge

Blueprint Genetics
Classification: Uncertain significance. Last evaluated: 2024-11-13. Review status: criteria provided, single submitter. Criteria: ACMG Guidelines, 2015. Collection method: clinical testing. Allele origin: germline.

Labcorp Genetics (formerly Invitae), Labcorp
Classification: Uncertain significance for Congenital muscular dystrophy due to integrin alpha-7 deficiency. Last evaluated: 2022-07-12. Review status: criteria provided, single submitter. Criteria: Invitae Variant Classification Sherloc (09022015). Collection method: clinical testing. Allele origin: germline.
Comment: This sequence change replaces arginine, which is basic and polar, with glutamine, which is neutral and polar, at codon 1067 of the ITGA7 protein (p.Arg1067Gln). This variant is present in population databases (rs752159189, gnomAD 0.02%). This variant has not been reported in the literature in individuals affected with ITGA7-related conditions. ClinVar contains an entry for this variant (Variation ID: 451131). Algorithms developed to predict the effect of missense changes on protein structure and function (SIFT, PolyPhen-2, Align-GVGD) all suggest that this variant is likely to be disruptive. Algorithms developed to predict the effect of sequence changes on RNA splicing suggest that this variant may create or strengthen a splice site. In summary, the available evidence is currently insufficient to determine the role of this variant in disease. Therefore, it has been classified as a Variant of Uncertain Significance.

Revvity Omics, Revvity
Classification: Uncertain significance for Congenital muscular dystrophy due to integrin alpha-7 deficiency. Last evaluated: 2021-12-07. Review status: criteria provided, single submitter. Criteria: ACMG Guidelines, 2015. Collection method: clinical testing. Allele origin: germline.

NM_002206.3(ITGA7):c.3200G>A (p.Arg1067Gln)

Gene: ITGA7 (integrin subunit alpha 7; minus strand). Cytogenetic location: 12q13.2.
Variant type: single nucleotide variant.
Coding change: c.3200G>A on transcript NM_002206.3 (MANE Select); coding-DNA position 3200, G replaced by A.
Protein change: p.Arg1067Gln; replaces arginine 1067 with glutamine.
Molecular consequence: missense variant.
Genome position (GRCh38, 1-based): chr12:55,685,272, C>T on the plus strand (G>A on the coding strand, the complement: ITGA7 is on the minus strand). VCF-style: chr12-55685272-C-T. GRCh37 (hg19) VCF-style: chr12-56079056-C-T.
Other names: c.3212G>A, p.Arg1071Gln (NM_001144996.2); c.2921G>A, p.Arg974Gln (NM_001144997.2); c.2873G>A, p.Arg958Gln (NM_001367993.1); c.1856G>A, p.Arg619Gln (NM_001367994.1); c.3182G>A, p.Arg1061Gln (NM_001374465.1); c.3332G>A, p.Arg1111Gln (NM_001410977.1); c.3194G>A, p.Arg1065Gln (NM_001414029.1); c.3125G>A, p.Arg1042Gln (NM_001414030.1); and 5 more; short protein forms R1067Q, R974Q, R619Q, R1071Q, R958Q, R1061Q, R1111Q, R1027Q.
Identifiers: ClinVar variation 451131 (VCV000451131.10), dbSNP rs752159189, ClinGen allele CA6615274.